The following is an entry in ClinVar:

NM_000390.4(CHM):c.543T>C (p.His181=)

Gene: CHM (CHM Rab escort protein; minus strand). Cytogenetic location: Xq21.2.
Variant type: single nucleotide variant.
Coding change: c.543T>C on transcript NM_000390.4 (MANE Select); coding-DNA position 543, T replaced by C.
Protein change: p.His181=; no amino-acid change (histidine 181 retained).
Molecular consequence: synonymous variant.
Genome position (GRCh38, 1-based): chrX:85,963,824, A>G on the plus strand (T>C on the coding strand, the complement: CHM is on the minus strand). VCF-style: chrX-85963824-A-G. GRCh37 (hg19) VCF-style: chrX-85218829-A-G.
Other names: c.99T>C, p.His33= (NM_001320959.1, NM_001362517.1, NM_001362518.2 and 1 more transcripts); c.543T>C (NM_000390.3).
Identifiers: ClinVar variation 1565649 (VCV001565649.9), dbSNP rs750588346, ClinGen allele CA10465561.

ClinVar aggregate classification (germline): Benign/Likely benign. Review status: criteria provided, multiple submitters, no conflicts (2 of 4 stars). 2 submissions from 2 submitters: Benign (1); Likely benign (1). Last evaluated 2026-03-11.

Conditions:
CHM-related disorder. Also called: CHM-related condition.

Allele frequency attached by ClinVar (database versions not stated): ExAC 0.00001; gnomAD exomes 0.00001 and 0.00002; TOPMed 0.00001; gnomAD 0.00002.
gnomAD v4.1: 10 of 1,209,891 alleles (0.00083%); highest among the groups gnomAD compares: Non-Finnish European, 0.00089%; no homozygotes.

Submissions (2):

PreventionGenetics, part of Exact Sciences
Classification: Likely benign for CHM-related condition. Last evaluated: 2026-03-11. Review status: criteria provided, single submitter. Criteria: ACMG Guidelines, 2015. Collection method: clinical testing. Allele origin: germline.
Comment: This variant is classified as likely benign based on ACMG/AMP sequence variant interpretation guidelines (Richards et al. 2015 PMID: 25741868, with internal and published modifications).

Labcorp Genetics (formerly Invitae), Labcorp
Classification: Benign. Last evaluated: 2023-01-13. Review status: criteria provided, single submitter. Criteria: Invitae Variant Classification Sherloc (09022015). Collection method: clinical testing. Allele origin: germline.